The following is an entry in ClinVar:

NM_005045.4(RELN):c.2694G>T (p.Trp898Cys)

Gene: RELN (reelin; minus strand). Cytogenetic location: 7q22.1.
Variant type: single nucleotide variant.
Coding change: c.2694G>T on transcript NM_005045.4 (MANE Select); coding-DNA position 2694, G replaced by T.
Protein change: p.Trp898Cys; replaces tryptophan 898 with cysteine.
Molecular consequence: missense variant.
Genome position (GRCh38, 1-based): chr7:103,629,948, C>A on the plus strand (G>T on the coding strand, the complement: RELN is on the minus strand). VCF-style: chr7-103629948-C-A. GRCh37 (hg19) VCF-style: chr7-103270395-C-A.
Other names: c.2694G>T, p.Trp898Cys (NM_173054.3); short protein forms W898C.
Identifiers: ClinVar variation 4783050 (VCV004783050.1).

ClinVar aggregate classification (germline): Uncertain significance (1 of 4 stars; one submission).

Conditions:
Norman-Roberts syndrome (LIS2). Also called: Lissencephaly 2 (Norman-Roberts type). Identifiers: Orphanet 89844, MedGen C0796089, MONDO:0009760, OMIM 257320.
Familial temporal lobe epilepsy 7. Identifiers: Orphanet 101046, MedGen C4225327, MONDO:0014639, OMIM 616436.

Submission:

Labcorp Genetics (formerly Invitae), Labcorp
Classification: Uncertain significance for Familial temporal lobe epilepsy 7; Norman-Roberts syndrome. Last evaluated: 2025-07-20. Review status: criteria provided, single submitter. Criteria: Invitae Variant Classification Sherloc (09022015). Collection method: clinical testing. Allele origin: germline.
Comment: This sequence change replaces tryptophan, which is neutral and slightly polar, with cysteine, which is neutral and slightly polar, at codon 898 of the RELN protein (p.Trp898Cys). This variant is not present in population databases (gnomAD no frequency). This variant has not been reported in the literature in individuals affected with RELN-related conditions. Invitae Evidence Modeling of protein sequence and biophysical properties (such as structural, functional, and spatial information, amino acid conservation, physicochemical variation, residue mobility, and thermodynamic stability) indicates that this missense variant is not expected to disrupt RELN protein function with a negative predictive value of 80%. In summary, the available evidence is currently insufficient to determine the role of this variant in disease. Therefore, it has been classified as a Variant of Uncertain Significance.